The following is an entry in ClinVar:

NC_000008.10:g.(?_56985649)_(56986942_?)dup

Gene: RPS20 (ribosomal protein S20; minus strand). Cytogenetic location: 8q12.1.
Variant type: Duplication.
Identifiers: ClinVar variation 1060960 (VCV001060960.6).

ClinVar aggregate classification (germline): Uncertain significance (1 of 4 stars; one submission).

Submission:

Labcorp Genetics (formerly Invitae), Labcorp
Classification: Uncertain significance. Last evaluated: 2023-01-02. Review status: criteria provided, single submitter. Criteria: Invitae Variant Classification Sherloc (09022015). Collection method: clinical testing. Allele origin: germline.
Comment: Experimental studies and prediction algorithms are not available or were not evaluated, and the functional significance of this variant is currently unknown. This variant has not been reported in the literature in individuals affected with RPS20-related conditions. A copy number gain of the genomic region encompassing the full coding sequence of the RPS20 gene has been identified. The boundaries of this event are unknown as they extend beyond the assayed region for this gene and therefore may encompass additional genes. As the precise location of this event is unknown, it may be in tandem or it may be located elsewhere in the genome. In summary, the available evidence is currently insufficient to determine the role of this variant in disease. Therefore, it has been classified as a Variant of Uncertain Significance.